The following is an entry in ClinVar:

NM_000395.3(CSF2RB):c.2561C>T (p.Ala854Val)

Gene: CSF2RB (colony stimulating factor 2 receptor subunit beta; plus strand). Cytogenetic location: 22q12.3.
Variant type: single nucleotide variant.
Coding change: c.2561C>T on transcript NM_000395.3 (MANE Select); coding-DNA position 2561, C replaced by T.
Protein change: p.Ala854Val; replaces alanine 854 with valine.
Molecular consequence: missense variant.
Genome position (GRCh38, 1-based): chr22:36,938,369, C>T. VCF-style: chr22-36938369-C-T. GRCh37 (hg19) VCF-style: chr22-37334411-C-T.
Other names: c.2579C>T, p.Ala860Val (NM_001410827.1); short protein forms A854V, A860V.
Identifiers: ClinVar variation 2635868 (VCV002635868.4), dbSNP rs138565658, ClinGen allele CA10214155.

ClinVar aggregate classification (germline): Uncertain significance. Review status: criteria provided, multiple submitters, no conflicts (2 of 4 stars). 2 submissions from 2 submitters: Uncertain significance (2). Last evaluated 2025-07-22.

Conditions:
CSF2RB-related disorder. Also called: CSF2RB-related condition.

Allele frequency attached by ClinVar (database versions not stated): ExAC 0.00002; gnomAD 0.00003; ESP Exome Variant Server 0.00008; TOPMed 0.00002; gnomAD exomes 0.00002.
gnomAD v4.1: 37 of 1,614,064 alleles (0.0023%); highest among the groups gnomAD compares: South Asian, 0.03%; no homozygotes.

Submissions (2):

Labcorp Genetics (formerly Invitae), Labcorp
Classification: Uncertain significance. Last evaluated: 2025-07-22. Review status: criteria provided, single submitter. Criteria: Invitae Variant Classification Sherloc (09022015). Collection method: clinical testing. Allele origin: germline.
Comment: This sequence change replaces alanine, which is neutral and non-polar, with valine, which is neutral and non-polar, at codon 854 of the CSF2RB protein (p.Ala854Val). This variant is present in population databases (rs138565658, gnomAD 0.03%). This variant has not been reported in the literature in individuals affected with CSF2RB-related conditions. ClinVar contains an entry for this variant (Variation ID: 2635868). Invitae Evidence Modeling of protein sequence and biophysical properties (such as structural, functional, and spatial information, amino acid conservation, physicochemical variation, residue mobility, and thermodynamic stability) indicates that this missense variant is not expected to disrupt CSF2RB protein function with a negative predictive value of 80%. In summary, the available evidence is currently insufficient to determine the role of this variant in disease. Therefore, it has been classified as a Variant of Uncertain Significance.

PreventionGenetics, part of Exact Sciences
Classification: Uncertain significance for CSF2RB-related condition. Last evaluated: 2023-01-11. Review status: criteria provided, single submitter. Criteria: ACMG Guidelines, 2015. Collection method: clinical testing. Allele origin: germline.
Comment: The CSF2RB c.2561C>T variant is predicted to result in the amino acid substitution p.Ala854Val. To our knowledge, this variant has not been reported in the literature. This variant is reported in 0.029% of alleles in individuals of South Asian descent in gnomAD. At this time, the clinical significance of this variant is uncertain due to the absence of conclusive functional and genetic evidence.